The following is an entry in ClinVar:

NM_000444.6(PHEX):c.1946G>T (p.Gly649Val)

Genes: PHEX (phosphate regulating endopeptidase X-linked; plus strand), PTCHD1-AS (PTCHD1 and PHEX antisense RNA; minus strand). Cytogenetic location: Xp22.11.
Variant type: single nucleotide variant.
Coding change: c.1946G>T on transcript NM_000444.6 (MANE Select); coding-DNA position 1946, G replaced by T.
Protein change: p.Gly649Val; replaces glycine 649 with valine.
Molecular consequence: missense variant.
Genome position (GRCh38, 1-based): chrX:22,226,489, G>T. VCF-style: chrX-22226489-G-T. GRCh37 (hg19) VCF-style: chrX-22244606-G-T.
Other names: c.1946G>T, p.Gly649Val (NM_001282754.2); short protein forms G649V.
Identifiers: ClinVar variation 3773807 (VCV003773807.1).

ClinVar aggregate classification (germline): Uncertain significance (1 of 4 stars; one submission).

Conditions:
Hypophosphatemic rickets. Identifiers: MedGen C1704375, MeSH D063730, MONDO:0024300, HP:0004912.

Submission:

Molecular Genetics, Royal Melbourne Hospital
Classification: Uncertain significance for Hypophosphatemic rickets. Last evaluated: 2024-12-06. Review status: criteria provided, single submitter. Criteria: ACMG Guidelines, 2015. Collection method: clinical testing. Allele origin: germline. Inheritance: X-linked dominant inheritance. Affected: yes.
Comment: This sequence change in PHEX is predicted to replace glycine with valine at codon 649, p.(Gly649Val). The glycine residue is highly conserved (100 vertebrates, Multiz Alignments), and is located in the Peptidase M13 domain. There is a large physicochemical difference between glycine and valine. This variant is absent from the population database gnomAD v4.1. To our knowledge, this variant is novel and has not been previously reported in the relevant scientific literature or databases. Computational evidence predicts a deleterious effect for the missense substitution (REVEL = 0.96). Based on the classification scheme RMH Modified ACMG/AMP Guidelines v1.7.1, this variant is classified as a VARIANT OF UNCERTAIN SIGNIFICANCE. Following criteria are met: PM2_Supporting, PP3_Strong.